The following continues an entry in ClinVar:

NM_000059.4(BRCA2):c.8009C>T (p.Ser2670Leu)

Gene: BRCA2. ClinVar aggregate classification (germline): Pathogenic/Likely pathogenic. Pathogenic (11); Likely pathogenic (9).

Submissions 18 to 27 of 27:

Cancer Variant Interpretation Group UK, Institute of Cancer Research, London
Classification: Likely pathogenic for Hereditary Breast and Ovarian Cancer. Last evaluated: 2018-10-10. Review status: criteria provided, single submitter. Criteria: ACMG Guidelines, 2015. Collection method: curation. Allele origin: germline.
Comment: Data used in classification: The frequency of this variant is 0/138,632 individuals (gnomAD) (PM2_mod). This variant is predicted deleterious on AlignGVGD (class: C65), SIFT (Deleterious), Polyphen2 HumVar (probably damaging) and CADD (28.4) (PP3_sup). The variant is in the DNA-binding domain of BRCA2 (PM1_sup). In the VarCall Bayesian statistical model for VUS classification using functional assay data (Guidugli et al Am J Hum Genet 2018; 102:233-248, Couch Lab), the variant has a probability of being deleterious of 0.99 and an overall classification of pathogenic. (PS3_strong). This variant has been classified on ClinVar as likely pathogenic by multiple accredited USA diagnostic laboratories (PP5_sup). Data not used in classification: There are additional reports of this variant in UMD (6), BIC (9), and BRCA2 LOVD (2).

UOSD Diagnostica Molecolare E Genomica, Irccs Policlinico Agostino Gemelli
Classification: Pathogenic for Breast-ovarian cancer, familial, susceptibility to, 1. Last evaluated: 2016-12-14. Review status: criteria provided, single submitter. Criteria: ACMG Guidelines, 2015. Collection method: clinical testing. Allele origin: germline. Inheritance: Autosomal dominant inheritance. Affected: yes. Observed: 1 variant allele, 1 heterozygote.

Juno Genomics, Hangzhou Juno Genomics, Inc
Classification: Pathogenic for Breast-ovarian cancer, familial, susceptibility to, 2. Review status: criteria provided, single submitter. Criteria: ACMG Guidelines, 2015. Collection method: clinical testing. Allele origin: germline.
Comment: Patient's phenotype or family history is highly specific for a disease with a single genetic etiology.;Co-segregation with disease in multiple affected family members.;Well-established in vitro or in vivo functional studies supportive of a damaging effect on the gene or gene product.;Multiple lines of computational evidence support a deleterious effect on the gene or gene product.

PreventionGenetics, part of Exact Sciences
Classification: Likely pathogenic for BRCA2-related condition. Last evaluated: 2024-08-07. Review status: no assertion criteria provided. Collection method: clinical testing. Allele origin: germline. Not counted in ClinVar's aggregate classification.
Comment: The BRCA2 c.8009C>T variant is predicted to result in the amino acid substitution p.Ser2670Leu. This variant has been reported in multiple individuals with hereditary breast and ovarian cancer (see for example, Jimenez et al. 2012. PubMed ID: 22895246; Lynce et al. 2015. PubMed ID: 26250392; Sun et al. 2017. PubMed ID: 28724667) and has been reported in the compound heterozygous state in at least two patients with clinical features of Fanconi Anemia (Trejo Bittar et al. 2014. PubMed ID: 24735155; Rosenthal et al. 2015. PubMed ID: 25639900). Additionally, studies using a homology directed DNA repair activity assay showed this variant is functionally defective (Hart et al. 2018. PubMed ID: 29884841; Guidugli et al. 2012. PubMed ID: 23108138). This variant has not been reported in a large population database such as gnomAD, indicating this variant is rare. This variant is interpreted as pathogenic/likely pathogenic in ClinVar. This variant is interpreted as likely pathogenic.

King Laboratory, University of Washington
Classification: Pathogenic for Hereditary breast and ovarian cancer syndrome; Breast-ovarian cancer, familial 2. Last evaluated: 2019-09-01. Review status: no assertion criteria provided. Collection method: research. Allele origin: germline. Affected: yes. Not counted in ClinVar's aggregate classification.
Comment: Transcript analysis by cBROCA

Counsyl
Classification: Likely pathogenic for Breast-ovarian cancer, familial, susceptibility to, 2. Last evaluated: 2018-03-30. Review status: no assertion criteria provided. Collection method: clinical testing. Allele origin: unknown. Not counted in ClinVar's aggregate classification.

Research Molecular Genetics Laboratory, Women's College Hospital, University of Toronto
Classification: Uncertain significance. Last evaluated: 2014-01-31. Review status: no assertion criteria provided. Collection method: research. Allele origin: germline. Affected: yes. Study: The Canadian Open Genetics Repository (COGR). Not counted in ClinVar's aggregate classification.

Sharing Clinical Reports Project (SCRP)
Classification: Likely pathogenic for Breast-ovarian cancer, familial 2. Last evaluated: 2010-01-25. Review status: no assertion criteria provided. Collection method: clinical testing. Allele origin: germline. Not counted in ClinVar's aggregate classification.

Breast Cancer Information Core (BIC) (BRCA2)
No classification provided. Condition: Breast-ovarian cancer, familial 2. Review status: no classification provided. Collection method: clinical testing. Allele origin: germline. Affected: yes. Observed: 10 variant alleles. Not counted in ClinVar's aggregate classification.

Department of Pathology and Laboratory Medicine, Sinai Health System
Classification: Likely pathogenic for breast cancer. Review status: no assertion criteria provided. Collection method: clinical testing. Allele origin: unknown. Affected: yes. Study: The Canadian Open Genetics Repository (COGR). Not counted in ClinVar's aggregate classification.
Comment: The BRCA2 p.Ser2670Leu variant has been reported in individuals affected with breast cancer (PMID: 23096355, 26250392) and inflammatory breast cancer (PMID: 22895246), as well as in individuals with a personal and/or family history of breast/ovarian cancer (PMID: 15131399, 24249303, 26187060). This variant was also observed to co-occur with a pathogenic BRCA2 variant (c.538_539dupAT) in an individual with Fanconi anemia, however the phase of the variants was not confirmed (PMID: 24735155). The variant was identified in ClinVar (Conflicting interpretations of pathogenicity. Likely pathogenic: Ambry in 2017, GeneDx in 2017, Counsyl in 2017, Invitae in 2018, Color in 2018, Quest Diagnostics in 2019, Sharing Clinical Reports Project in 2010. VUS by Research Molecular Genetics Laboratory at Women's College Hospital in 2014. Pathogenic by Clinical molecular and personalized diagnostics in 2016. GeneInsight-COGR (Sinai Health System and COGR consensus) classify as VUS, 2013), LOVD 3.0 (17 entries, VUS 10x, likely pathogenic 3x, pathogenic 1x) and __ARUP Laboratories (3-Uncertain) databases. The variant was not identified in the following control databases: the 1000 Genomes Project, the NHLBI GO Exome Sequencing Project, or the Genome Aggregation Database (March 6, 2019, v2.1.1). A truncating variant at the same location, c.8009C>A (p.Ser2670*), is classified in ClinVar as Pathogenic (3 stars, reviewed by expert panel). The variant is located in the BRCA2 DNA binding domain (Yang 2002, Guidugli 2017), increasing the likelihood that it may have clinical significance. Through a homology-directed DNA repair assay, the p.Ser2670Leu variant was found to substantially decrease HDR compared to wild-type BRCA2 and known neutral variants, and was predicted to be deleterious (Guidugli_2017_PMID:29394989). However, Karchin (2008) and Chenevix-Trench (2006) described this variant on an allele that was lost by LOH in breast tissue, a result that has been associated with increased probability of neutrality. Furthermore, Myriad genetics has also reported this variant to co-occur with a second pathogenic variant (Chenevix-Trench 2006) increasing the likelihood this variant may be benign. The p.Ser2670 residue is conserved in mammals but not in more distantly related organisms, and four out of five computational analyses (PolyPhen-2, SIFT, AlignGVGD, BLOSUM, MutationTaster) suggest that the variant may impact the protein; however, this information is not predictive enough to assume pathogenicity. The variant occurs outside of the splicing consensus sequence and in silico or computational prediction software programs (SpliceSiteFinder, MaxEntScan, NNSPLICE, GeneSplicer) do not predict a difference in splicing. In summary, based on the above information the clinical significance of this variant cannot be determined with certainty at this time although we would lean towards a more pathogenic role for this variant. This variant is classified as likely pathogenic.

Literature cited by the submitters: PubMed 15131399 (cited by 7 submitters); PubMed 22895246 (cited by 7 submitters); PubMed 23096355 (cited by 6 submitters); PubMed 24249303 (cited by 6 submitters); PubMed 24735155 (cited by 8 submitters); PubMed 26187060 (cited by 5 submitters); PubMed 26250392 (cited by 6 submitters); PubMed 28176296 (cited by 4 submitters); PubMed 31409081 (cited by 4 submitters); PubMed 31742824 (cited by 4 submitters); PubMed 31843900 (cited by 5 submitters); PubMed 34717758 (cited by 3 submitters); PubMed 31131967 (cited by 5 submitters); PubMed 19043619 (cited by 7 submitters); PubMed 29394989 (cited by 7 submitters); PubMed 32444794 (cited by 3 submitters); PubMed 28339459 (cited by 4 submitters); PubMed 31191615 (cited by Labcorp Genetics (formerly Invitae), Labcorp and Quest Diagnostics Nichols Institute San Juan Capistrano); PubMed 25639900 (cited by 6 submitters); PubMed 29884841 (cited by 4 submitters); PubMed 33293522 (cited by Center for Genomic Medicine, Rigshospitalet, Copenhagen University Hospital and Quest Diagnostics Nichols Institute San Juan Capistrano); PubMed 36721989 (cited by Center for Genomic Medicine, Rigshospitalet, Copenhagen University Hospital); PubMed 16489001 (cited by 4 submitters); PubMed 21702907 (cited by 4 submitters); PubMed 34413315 (cited by Quest Diagnostics Nichols Institute San Juan Capistrano); PubMed 34597585 (cited by Quest Diagnostics Nichols Institute San Juan Capistrano); PubMed 33471991 (cited by Quest Diagnostics Nichols Institute San Juan Capistrano); PubMed 37937776 (cited by Quest Diagnostics Nichols Institute San Juan Capistrano); PubMed 35861108 (cited by Quest Diagnostics Nichols Institute San Juan Capistrano); PubMed 38324470 (cited by Quest Diagnostics Nichols Institute San Juan Capistrano); PubMed 36367610 (cited by Quest Diagnostics Nichols Institute San Juan Capistrano); PubMed 36881271 (cited by Quest Diagnostics Nichols Institute San Juan Capistrano); PubMed 32318955 (cited by Quest Diagnostics Nichols Institute San Juan Capistrano); PubMed 35864222 (cited by Quest Diagnostics Nichols Institute San Juan Capistrano); PubMed 32073954 (cited by Quest Diagnostics Nichols Institute San Juan Capistrano); PubMed 31825140 (cited by Quest Diagnostics Nichols Institute San Juan Capistrano); PubMed 26287763 (cited by 3 submitters); PubMed 30254663 (cited by 3 submitters); PubMed 30702160 (cited by Quest Diagnostics Nichols Institute San Juan Capistrano); PubMed 29395620 (cited by Quest Diagnostics Nichols Institute San Juan Capistrano and Color Diagnostics, LLC DBA Color Health); PubMed 28476184 (cited by Quest Diagnostics Nichols Institute San Juan Capistrano); PubMed 28111427 (cited by Quest Diagnostics Nichols Institute San Juan Capistrano); PubMed 26681312 (cited by 4 submitters); PubMed 28724667 (cited by Quest Diagnostics Nichols Institute San Juan Capistrano and Ambry Genetics); PubMed 31112341 (cited by Quest Diagnostics Nichols Institute San Juan Capistrano and Women's Health and Genetics/Laboratory Corporation of America, LabCorp); PubMed 28294317 (cited by Quest Diagnostics Nichols Institute San Juan Capistrano and Counsyl); PubMed 32856869 (cited by Quest Diagnostics Nichols Institute San Juan Capistrano); PubMed 34235180 (cited by Quest Diagnostics Nichols Institute San Juan Capistrano); PubMed 23108138 (cited by Quest Diagnostics Nichols Institute San Juan Capistrano); PubMed 33850850 (cited by Color Diagnostics, LLC DBA Color Health); PubMed 18951461 (cited by Ambry Genetics).